The following is an entry in ClinVar:

ClinVar aggregate classification (germline): Uncertain significance (1 of 4 stars; one submission).

Conditions:
Brugada syndrome. Also called: Sudden unexplained nocturnal death syndrome; Sudden Unexplained Death Syndrome; Sudden Unexplained Nocturnal Death Syndrome (SUNDS); Sudden unexpected nocturnal death syndrome. Identifiers: Orphanet 130, MedGen C1142166, MONDO:0015263.

Allele frequency attached by ClinVar (database versions not stated): gnomAD exomes 0.00001.
gnomAD v4.1: 8 of 1,614,154 alleles (0.0005%); highest among the groups gnomAD compares: Non-Finnish European, 0.00068%; no homozygotes.

Submission:

Labcorp Genetics (formerly Invitae), Labcorp
Classification: Uncertain significance for Brugada syndrome. Last evaluated: 2018-06-12. Review status: criteria provided, single submitter. Criteria: Invitae Variant Classification Sherloc (09022015). Collection method: clinical testing. Allele origin: germline.
Comment: This sequence change replaces asparagine with aspartic acid at codon 678 of the SCN10A protein (p.Asn678Asp). The asparagine residue is highly conserved and there is a small physicochemical difference between asparagine and aspartic acid. This variant is not present in population databases (ExAC no frequency). This variant has not been reported in the literature in individuals with SCN10A-related disease. Algorithms developed to predict the effect of missense changes on protein structure and function are either unavailable or do not agree on the potential impact of this missense change (SIFT: Deleterious; PolyPhen-2: Probably Damaging; Align-GVGD: Class C1). In summary, the available evidence is currently insufficient to determine the role of this variant in disease. Therefore, it has been classified as a Variant of Uncertain Significance. 5

NM_006514.4(SCN10A):c.2032A>G (p.Asn678Asp)

Gene: SCN10A (sodium voltage-gated channel alpha subunit 10; minus strand). Cytogenetic location: 3p22.2.
Variant type: single nucleotide variant.
Coding change: c.2032A>G on transcript NM_006514.4 (MANE Select); coding-DNA position 2032, A replaced by G.
Protein change: p.Asn678Asp; replaces asparagine 678 with aspartic acid.
Molecular consequence: missense variant.
Genome position (GRCh38, 1-based): chr3:38,742,365, T>C on the plus strand (A>G on the coding strand, the complement: SCN10A is on the minus strand). VCF-style: chr3-38742365-T-C. GRCh37 (hg19) VCF-style: chr3-38783856-T-C.
Other names: c.2032A>G, p.Asn678Asp (NM_001293306.2); c.1738A>G, p.Asn580Asp (NM_001293307.2); short protein forms N580D, N678D.
Identifiers: ClinVar variation 999710 (VCV000999710.1), dbSNP rs2063642099, ClinGen allele CA352165120.